The following is an entry in ClinVar:

ClinVar aggregate classification (germline): Likely benign (1 of 4 stars; one submission).

Allele frequency attached by ClinVar (database versions not stated): gnomAD 0.00001; TOPMed 0.00001.
gnomAD v4.1: 12 of 1,484,916 alleles (0.00081%); highest among the groups gnomAD compares: Non-Finnish European, 0.0011%; no homozygotes.

Submission:

GeneDx
Classification: Likely benign. Last evaluated: 2017-10-31. Review status: criteria provided, single submitter. Criteria: GeneDx Variant Classification (06012015). Collection method: clinical testing. Allele origin: germline. Affected: yes.
Comment: This variant is considered likely benign or benign based on one or more of the following criteria: it is a conservative change, it occurs at a poorly conserved position in the protein, it is predicted to be benign by multiple in silico algorithms, and/or has population frequency not consistent with disease.

NM_170707.4(LMNA):c.-28C>T

Gene: LMNA (lamin A/C; plus strand). Cytogenetic location: 1q22.
Variant type: single nucleotide variant.
Coding change: c.-28C>T on transcript NM_170707.4 (MANE Select); 28 bases upstream of the start codon, C replaced by T.
Molecular consequence: 5 prime UTR variant.
Genome position (GRCh38, 1-based): chr1:156,114,891, C>T. VCF-style: chr1-156114891-C-T. GRCh37 (hg19) VCF-style: chr1-156084682-C-T.
Other names: c.-28C>T (NM_001282625.2, NM_001282626.2, NM_005572.4 and 1 more transcripts).
Identifiers: ClinVar variation 512853 (VCV000512853.1), dbSNP rs1404811179, ClinGen allele CA526466848.
Genomic context (GRCh38, chr1:156,114,891, plus strand): 5'-GACTCCGAGCAGTCTCTGTCCTTCGACCCGAGCCCCGCGCCCTTTCCGGGACCCCTGCCC[C>T]GCGGGCAGCGCTGCCAACCTGCCGGCCATGGAGACCCCGTCCCAGCGGCGCGCCACCCGC-3'